The following is an entry in ClinVar:

ClinVar aggregate classification (germline): Uncertain significance. Review status: criteria provided, single submitter (1 of 4 stars). 2 submissions from 2 submitters: Uncertain significance (1). 1 of the submissions does not count toward it. Last evaluated 2022-08-12.

Conditions:
TALDO1-related disorder. Also called: TALDO1-related condition.

Allele frequency attached by ClinVar (database versions not stated): ExAC 0.00009; TOPMed 0.00028; gnomAD 0.00030; 1000 Genomes Project 30x 0.00031; ESP Exome Variant Server 0.00046.
gnomAD v4.1: 115 of 1,573,420 alleles (0.0073%); highest among the groups gnomAD compares: African/African-American, 0.12%; 2 homozygotes.

Submissions (2):

Labcorp Genetics (formerly Invitae), Labcorp
Classification: Uncertain significance. Last evaluated: 2022-08-12. Review status: criteria provided, single submitter. Criteria: Invitae Variant Classification Sherloc (09022015). Collection method: clinical testing. Allele origin: germline.
Comment: This sequence change affects codon 32 of the TALDO1 mRNA. It is a 'silent' change, meaning that it does not change the encoded amino acid sequence of the TALDO1 protein. It affects a nucleotide within the consensus splice site. The frequency data for this variant in the population databases is considered unreliable, as metrics indicate poor data quality at this position in the gnomAD database. This variant has not been reported in the literature in individuals affected with TALDO1-related conditions. Algorithms developed to predict the effect of sequence changes on RNA splicing suggest that this variant is not likely to affect RNA splicing. In summary, the available evidence is currently insufficient to determine the role of this variant in disease. Therefore, it has been classified as a Variant of Uncertain Significance.

PreventionGenetics, part of Exact Sciences
Classification: Likely benign for TALDO1-related condition. Last evaluated: 2022-02-15. Review status: no assertion criteria provided. Collection method: clinical testing. Allele origin: germline. Not counted in ClinVar's aggregate classification.
Comment: This variant is classified as likely benign based on ACMG/AMP sequence variant interpretation guidelines (Richards et al. 2015 PMID: 25741868, with internal and published modifications).

NM_006755.2(TALDO1):c.96C>T (p.His32=)

Gene: TALDO1 (transaldolase 1; plus strand). Cytogenetic location: 11p15.5.
Variant type: single nucleotide variant.
Coding change: c.96C>T on transcript NM_006755.2 (MANE Select); coding-DNA position 96, C replaced by T.
Protein change: p.His32=; no amino-acid change (histidine 32 retained).
Molecular consequence: synonymous variant.
Genome position (GRCh38, 1-based): chr11:747,577, C>T. VCF-style: chr11-747577-C-T. GRCh37 (hg19) VCF-style: chr11-747577-C-T.
Other names: c.96C>T (NM_006755.1).
Identifiers: ClinVar variation 2043613 (VCV002043613.3), dbSNP rs138714955, ClinGen allele CA5788000.